The following is an entry in ClinVar:

NM_017763.6(RNF43):c.1521C>T (p.Pro507=)

Gene: RNF43 (ring finger protein 43; minus strand). Cytogenetic location: 17q22.
Variant type: single nucleotide variant.
Coding change: c.1521C>T on transcript NM_017763.6 (MANE Select); coding-DNA position 1521, C replaced by T.
Protein change: p.Pro507=; no amino-acid change (proline 507 retained).
Molecular consequence: synonymous variant.
Genome position (GRCh38, 1-based): chr17:58,358,255, G>A on the plus strand (C>T on the coding strand, the complement: RNF43 is on the minus strand). VCF-style: chr17-58358255-G-A. GRCh37 (hg19) VCF-style: chr17-56435616-G-A.
Other names: c.1521C>T, p.Pro507= (NM_001305544.3); c.1140C>T, p.Pro380= (NM_001305545.2).
Identifiers: ClinVar variation 1126052 (VCV001126052.11), dbSNP rs775174885, ClinGen allele CA501325364.
Genomic context (GRCh38, chr17:58,358,255, plus strand): 5'-GGTCACACTAGGCTGCATGTCCACTCGCTGGGGATCCCCTTTAGGGCTGCAGTACACTAG[G>A]GGGTCAAAGTCACTGCTTAGGGAGCTGCAGAAAGTAGAACTGCTGCCATGGACCCCCTGT-3'
Protein context (NP_060233.3, residues 497-517): FCSSLSSDFD[Pro507=]LVYCSPKGDP

ClinVar aggregate classification (germline): Benign/Likely benign. Review status: criteria provided, multiple submitters, no conflicts (2 of 4 stars). 3 submissions from 3 submitters: Benign (1); Likely benign (2). Last evaluated 2026-07-02.

Conditions:
Sessile serrated polyposis cancer syndrome (SSPCS). Identifiers: Orphanet 157798, MedGen C4310714, MONDO:0014919, OMIM 617108.

Allele frequency attached by ClinVar (database versions not stated): gnomAD 0.00001.

Submissions (3):

Myriad Genetics, Inc.
Classification: Benign for Sessile serrated polyposis cancer syndrome. Last evaluated: 2026-07-02. Review status: criteria provided, single submitter. Criteria: Myriad Autosomal Dominant, Autosomal Recessive and X-Linked Classification Criteria (2023). Collection method: clinical testing. Allele origin: unknown.
Comment: This variant is considered benign. This variant is a silent/synonymous amino acid change and it is not expected to impact splicing.

Ambry Genetics
Classification: Likely benign. Last evaluated: 2025-06-12. Review status: criteria provided, single submitter. Criteria: Ambry Variant Classification Scheme 2023. Collection method: clinical testing. Allele origin: germline.

Labcorp Genetics (formerly Invitae), Labcorp
Classification: Likely benign. Last evaluated: 2019-08-31. Review status: criteria provided, single submitter. Criteria: Invitae Variant Classification Sherloc (09022015). Collection method: clinical testing. Allele origin: germline.